The following is an entry in ClinVar:

NM_020549.5(CHAT):c.55A>G (p.Arg19Gly)

Gene: CHAT (choline O-acetyltransferase; plus strand). Cytogenetic location: 10q11.23.
Variant type: single nucleotide variant.
Coding change: c.55A>G on transcript NM_020549.5 (MANE Select); coding-DNA position 55, A replaced by G.
Protein change: p.Arg19Gly; replaces arginine 19 with glycine.
Molecular consequence: missense variant. On other transcripts: 5 prime UTR variant (3), intron variant (3).
Genome position (GRCh38, 1-based): chr10:49,614,244, A>G. VCF-style: chr10-49614244-A-G. GRCh37 (hg19) VCF-style: chr10-50822290-A-G.
Other names: c.-300A>G (NM_001142929.2); c.-262A>G (NM_001142933.2); c.-370A>G (NM_001142934.2); c.-68-2258A>G (NM_020984.4); c.-240-60A>G (NM_020985.4); c.-69+1042A>G (NM_020986.4); short protein forms R19G.
Identifiers: ClinVar variation 2997667 (VCV002997667.3), dbSNP rs1838389397, ClinGen allele CA376724678.

ClinVar aggregate classification (germline): Uncertain significance (1 of 4 stars; one submission).

Conditions:
Familial infantile myasthenia (CMS6). Also called: Congenital myasthenic syndrome type 6; MYASTHENIC SYNDROME, PRESYNAPTIC, CONGENITAL, ASSOCIATED WITH EPISODIC APNEA; MYASTHENIC SYNDROME, CONGENITAL, 6, PRESYNAPTIC. Identifiers: Orphanet 590, MedGen C0393929, MONDO:0009689, OMIM 254210.

Allele frequency attached by ClinVar (database versions not stated): TOPMed below 0.00001; gnomAD 0.00001.
gnomAD v4.1: 3 of 1,543,186 alleles (0.00019%); highest among the groups gnomAD compares: Non-Finnish European, 0.00026%; no homozygotes.

Submission:

Labcorp Genetics (formerly Invitae), Labcorp
Classification: Uncertain significance for Familial infantile myasthenia. Last evaluated: 2023-05-15. Review status: criteria provided, single submitter. Criteria: Invitae Variant Classification Sherloc (09022015). Collection method: clinical testing. Allele origin: germline.
Comment: In summary, the available evidence is currently insufficient to determine the role of this variant in disease. Therefore, it has been classified as a Variant of Uncertain Significance. Advanced modeling of protein sequence and biophysical properties (such as structural, functional, and spatial information, amino acid conservation, physicochemical variation, residue mobility, and thermodynamic stability) performed at Invitae indicates that this missense variant is not expected to disrupt CHAT protein function. This variant has not been reported in the literature in individuals affected with CHAT-related conditions. This variant is not present in population databases (gnomAD no frequency). This sequence change replaces arginine, which is basic and polar, with glycine, which is neutral and non-polar, at codon 19 of the CHAT protein (p.Arg19Gly).